The following is an entry in ClinVar:

NM_003803.4(MYOM1):c.3683-9C>T

Gene: MYOM1 (myomesin 1; minus strand). Cytogenetic location: 18p11.31.
Variant type: single nucleotide variant.
Coding change: c.3683-9C>T on transcript NM_003803.4 (MANE Select); 9 bases into the intron before coding-DNA position 3683, C replaced by T.
Molecular consequence: intron variant.
Genome position (GRCh38, 1-based): chr18:3,100,212, G>A on the plus strand (C>T on the coding strand, the complement: MYOM1 is on the minus strand). VCF-style: chr18-3100212-G-A. GRCh37 (hg19) VCF-style: chr18-3100210-G-A.
Other names: c.3395-9C>T (NM_019856.2).
Identifiers: ClinVar variation 416032 (VCV000416032.13), dbSNP rs1060504725, ClinGen allele CA16615760.
Genomic context (GRCh38, chr18:3,100,212, plus strand): 5'-TACTTACTTGGGAACTTGTGTTCATGGCTGAGAGCAAGTAAACGTTTCAATTCTGTAGGG[G>A]GAAAAAGAAGGCAGTTAAACCTTAAACTACTAAAATAAAAGTCACTTAAGAATAACTGAG-3'

ClinVar aggregate classification (germline): Likely benign. Review status: criteria provided, multiple submitters, no conflicts (2 of 4 stars). 2 submissions from 2 submitters: Likely benign (2). Last evaluated 2016-08-30.

Conditions:
Hypertrophic cardiomyopathy. Also called: HYPERTROPHIC MYOCARDIOPATHY. Identifiers: Orphanet 217569, MedGen C0007194, MeSH D002312, MONDO:0005045, HP:0001639.

Submissions (2):

Labcorp Genetics (formerly Invitae), Labcorp
Classification: Likely benign for Hypertrophic cardiomyopathy. Last evaluated: 2016-08-30. Review status: criteria provided, single submitter. Criteria: Invitae Variant Classification Sherloc (09022015). Collection method: clinical testing. Allele origin: germline.

Laboratory for Molecular Medicine, Mass General Brigham Personalized Medicine
Classification: Likely benign. Last evaluated: 2016-05-06. Review status: criteria provided, single submitter. Criteria: LMM Criteria. Collection method: clinical testing. Allele origin: germline. Observed: 1 variant allele.
Comment: c.3683-9C>T in intron 24 of MYOM1: This variant is not expected to have clinical significance because a C>T change at this position does not diverge from the sp lice consensus sequence and is therefore unlikely to impact splicing. It was abs ent from large population studies.